The following is an entry in ClinVar:

ClinVar aggregate classification (germline): Uncertain significance (1 of 4 stars; one submission).

Conditions:
Hypertrophic cardiomyopathy. Also called: HYPERTROPHIC MYOCARDIOPATHY. Identifiers: Orphanet 217569, MedGen C0007194, MeSH D002312, MONDO:0005045, HP:0001639.

Submission:

Labcorp Genetics (formerly Invitae), Labcorp
Classification: Uncertain significance for Hypertrophic cardiomyopathy. Last evaluated: 2024-01-16. Review status: criteria provided, single submitter. Criteria: Invitae Variant Classification Sherloc (09022015). Collection method: clinical testing. Allele origin: germline.
Comment: This sequence change replaces threonine, which is neutral and polar, with isoleucine, which is neutral and non-polar, at codon 941 of the MYOM1 protein (p.Thr941Ile). This variant is not present in population databases (gnomAD no frequency). This variant has not been reported in the literature in individuals affected with MYOM1-related conditions. Advanced modeling of protein sequence and biophysical properties (such as structural, functional, and spatial information, amino acid conservation, physicochemical variation, residue mobility, and thermodynamic stability) performed at Invitae indicates that this missense variant is not expected to disrupt MYOM1 protein function with a negative predictive value of 80%. In summary, the available evidence is currently insufficient to determine the role of this variant in disease. Therefore, it has been classified as a Variant of Uncertain Significance.

NM_003803.4(MYOM1):c.2822C>T (p.Thr941Ile)

Gene: MYOM1 (myomesin 1; minus strand). Cytogenetic location: 18p11.31.
Variant type: single nucleotide variant.
Coding change: c.2822C>T on transcript NM_003803.4 (MANE Select); coding-DNA position 2822, C replaced by T.
Protein change: p.Thr941Ile; replaces threonine 941 with isoleucine.
Molecular consequence: missense variant.
Genome position (GRCh38, 1-based): chr18:3,126,870, G>A on the plus strand (C>T on the coding strand, the complement: MYOM1 is on the minus strand). VCF-style: chr18-3126870-G-A. GRCh37 (hg19) VCF-style: chr18-3126868-G-A.
Other names: c.2534C>T, p.Thr845Ile (NM_019856.2); short protein forms T845I, T941I.
Identifiers: ClinVar variation 2731400 (VCV002731400.3), dbSNP rs2510615909, ClinGen allele CA401708670.